The following is an entry in ClinVar:

ClinVar aggregate classification (germline): Uncertain significance (1 of 4 stars; one submission).

Conditions:
Cardiovascular phenotype. Identifiers: MedGen CN230736.

Submission:

Ambry Genetics
Classification: Uncertain significance for Cardiovascular phenotype. Last evaluated: 2022-09-30. Review status: criteria provided, single submitter. Criteria: Ambry Variant Classification Scheme 2023. Collection method: clinical testing. Allele origin: germline.
Comment: The c.3336+4_3336+6delAGG intronic variant, located in intron 24 of the MYH7 gene, results from a deletion of 3 nucleotides within intron 24 of the MYH7 gene. This nucleotide region is well conserved in available vertebrate species. In silico splice site analysis predicts that this alteration will not have any significant effect on splicing. Since supporting evidence is limited at this time, the clinical significance of this alteration remains unclear.

NM_000257.4(MYH7):c.3336+4_3336+6del

Gene: MYH7 (myosin heavy chain 7; minus strand). Cytogenetic location: 14q11.2.
Variant type: Deletion.
Coding change: c.3336+4_3336+6del on transcript NM_000257.4 (MANE Select); bases 4 to 6 of the intron after coding-DNA position 3336, 3 bases deleted (AGG; older notation c.3336+4_3336+6delAGG).
Molecular consequence: intron variant.
Genome position (GRCh38, 1-based): chr14:23,420,952-23,420,954, CCT deleted on the plus strand (AGG on the coding strand, the reverse complement: MYH7 is on the minus strand); deleting any 3 consecutive bases within chr14:23,420,952-23,420,955 gives the same sequence; the c. name uses the placement nearest the transcript's 3' end. VCF-style (leftmost placement, unchanged base first): chr14-23420951-ACCT-A. GRCh37 (hg19) VCF-style: chr14-23890160-ACCT-A.
Other names: c.3336+4_3336+6delAGG (NM_000257.4).
Identifiers: ClinVar variation 1730354 (VCV001730354.2), dbSNP rs2502267843, ClinGen allele CA2580088179.